The following is an entry in ClinVar:

ClinVar aggregate classification (germline): Likely benign (1 of 4 stars; one submission).

Allele frequency attached by ClinVar (database versions not stated): ExAC 0.00040; gnomAD exomes 0.00054; gnomAD 0.00074; TOPMed 0.00096; ESP Exome Variant Server 0.00100.
gnomAD v4.1: 886 of 1,613,980 alleles (0.055%); highest among the groups gnomAD compares: African/African-American, 0.18%; no homozygotes.

Submission:

CeGaT Center for Human Genetics Tuebingen
Classification: Likely benign. Last evaluated: 2023-12-01. Review status: criteria provided, single submitter. Criteria: CeGaT Center For Human Genetics Tuebingen Variant Classification Criteria Version 2. Collection method: clinical testing. Allele origin: germline. Affected: yes. Observed: 1 variant allele.
Comment: BSN: BP4

NM_003458.4(BSN):c.9679G>A (p.Val3227Ile)

Gene: BSN (bassoon presynaptic cytomatrix protein; plus strand). Cytogenetic location: 3p21.31.
Variant type: single nucleotide variant.
Coding change: c.9679G>A on transcript NM_003458.4 (MANE Select); coding-DNA position 9679, G replaced by A.
Protein change: p.Val3227Ile; replaces valine 3227 with isoleucine.
Molecular consequence: missense variant.
Genome position (GRCh38, 1-based): chr3:49,661,524, G>A. VCF-style: chr3-49661524-G-A. GRCh37 (hg19) VCF-style: chr3-49698957-G-A.
Other names: short protein forms V3227I.
Identifiers: ClinVar variation 3025304 (VCV003025304.22), dbSNP rs151080649, ClinGen allele CA2401096.